The following is an entry in ClinVar:

NM_198253.3(TERT):c.3042A>T (p.Ala1014=)

Gene: TERT (telomerase reverse transcriptase; minus strand). Cytogenetic location: 5p15.33.
Variant type: single nucleotide variant.
Coding change: c.3042A>T on transcript NM_198253.3 (MANE Select); coding-DNA position 3042, A replaced by T.
Protein change: p.Ala1014=; no amino-acid change (alanine 1014 retained).
Molecular consequence: synonymous variant. On other transcripts: non-coding transcript variant (2).
Genome position (GRCh38, 1-based): chr5:1,255,402, T>A on the plus strand (A>T on the coding strand, the complement: TERT is on the minus strand). VCF-style: chr5-1255402-T-A. GRCh37 (hg19) VCF-style: chr5-1255517-T-A.
Other names: c.2853A>T, p.Ala951= (NM_001193376.3).
Identifiers: ClinVar variation 759269 (VCV000759269.11), dbSNP rs1337149388, ClinGen allele CA443020477.

ClinVar aggregate classification (germline): Conflicting classifications of pathogenicity. Review status: criteria provided, conflicting classifications (1 of 4 stars). 2 submissions from 2 submitters: Uncertain significance (1); Likely benign (1). Last evaluated 2023-03-20.

Conditions:
Idiopathic Pulmonary Fibrosis. Also called: Idiopathic fibrosing alveolitis, chronic form; idiopathic fibrosing alveolitis. Identifiers: Orphanet 2032, MedGen C1800706, MeSH D054990, MONDO:0800504.
Dyskeratosis congenita, autosomal dominant 2. Identifiers: MedGen C3151443, MONDO:0013521, OMIM 613989.

Submissions (2):

GeneDx
Classification: Uncertain significance. Last evaluated: 2023-03-20. Review status: criteria provided, single submitter. Criteria: GeneDx Variant Classification Process June 2021. Collection method: clinical testing. Allele origin: germline. Affected: yes.
Comment: Not observed at significant frequency in large population cohorts (gnomAD); Has not been previously published as pathogenic or benign to our knowledge; In silico analysis suggests this variant may impact gene splicing. In the absence of RNA/functional studies, the actual effect of this sequence change is unknown.

Labcorp Genetics (formerly Invitae), Labcorp
Classification: Likely benign for Dyskeratosis congenita, autosomal dominant 2; Idiopathic Pulmonary Fibrosis. Last evaluated: 2018-04-27. Review status: criteria provided, single submitter. Criteria: Invitae Variant Classification Sherloc (09022015). Collection method: clinical testing. Allele origin: germline.